The following is an entry in ClinVar:

ClinVar aggregate classification (germline): Uncertain significance (1 of 4 stars; one submission).

Conditions:
Developmental and epileptic encephalopathy, 11 (DEE11). Also called: Early infantile epileptic encephalopathy 11. Identifiers: Orphanet 1934, MedGen C3150987, MONDO:0013388, OMIM 613721.
Seizures, benign familial infantile, 3 (BFIS3). Also called: Familial neonatal seizures; CONVULSIONS, BENIGN FAMILIAL INFANTILE, 3. Identifiers: Orphanet 140927, Orphanet 306, MedGen C1843140, MONDO:0011904, OMIM 607745.

Submission:

Labcorp Genetics (formerly Invitae), Labcorp
Classification: Uncertain significance for Seizures, benign familial infantile, 3; Developmental and epileptic encephalopathy, 11. Last evaluated: 2026-01-13. Review status: criteria provided, single submitter. Criteria: Invitae Variant Classification Sherloc (09022015). Collection method: clinical testing. Allele origin: germline.
Comment: This sequence change replaces leucine, which is neutral and non-polar, with arginine, which is basic and polar, at codon 670 of the SCN2A protein (p.Leu670Arg). This variant is not present in population databases (gnomAD no frequency). This variant has not been reported in the literature in individuals affected with SCN2A-related conditions. ClinVar contains an entry for this variant (Variation ID: 1525643). Invitae Evidence Modeling of protein sequence and biophysical properties (such as structural, functional, and spatial information, amino acid conservation, physicochemical variation, residue mobility, and thermodynamic stability) indicates that this missense variant is not expected to disrupt SCN2A protein function with a negative predictive value of 95%. In summary, the available evidence is currently insufficient to determine the role of this variant in disease. Therefore, it has been classified as a Variant of Uncertain Significance.

NM_001040142.2(SCN2A):c.2009T>G (p.Leu670Arg)

Gene: SCN2A (sodium voltage-gated channel alpha subunit 2; plus strand). Cytogenetic location: 2q24.3.
Variant type: single nucleotide variant.
Coding change: c.2009T>G on transcript NM_001040142.2 (MANE Select); coding-DNA position 2009, T replaced by G.
Protein change: p.Leu670Arg; replaces leucine 670 with arginine.
Molecular consequence: missense variant.
Genome position (GRCh38, 1-based): chr2:165,323,493, T>G. VCF-style: chr2-165323493-T-G. GRCh37 (hg19) VCF-style: chr2-166180003-T-G.
Other names: c.2009T>G, p.Leu670Arg (NM_001040143.2, NM_001371246.1, NM_001371247.1 and 1 more transcripts); short protein forms L670R.
Identifiers: ClinVar variation 1525643 (VCV001525643.8), dbSNP rs1698177953, ClinGen allele CA349027954.
Genomic context (GRCh38, chr2:165,323,493, plus strand): 5'-GCAATGGTGTGGTCTCCCTGGTCGGGGGCCCTTCTACCCTCACATCTGCTGGGCAGCTCC[T>G]ACCAGAGGTGAGGCCAATTAAAATTGCAGCTGATGTGAAGAGAGTTGTGACTGGTGCAGG-3'
Protein context (NP_001035232.1, residues 660-680): PSTLTSAGQL[Leu670Arg]PEGTTTETEI